The following is an entry in ClinVar:

NM_003072.5(SMARCA4):c.4268C>G (p.Thr1423Ser)

Gene: SMARCA4 (SWI/SNF related BAF chromatin remodeling complex subunit ATPase 4; plus strand). Cytogenetic location: 19p13.2.
Variant type: single nucleotide variant.
Coding change: c.4268C>G on transcript NM_003072.5 (MANE Select); coding-DNA position 4268, C replaced by G.
Protein change: p.Thr1423Ser; replaces threonine 1423 with serine.
Molecular consequence: missense variant. On other transcripts: non-coding transcript variant (1).
Genome position (GRCh38, 1-based): chr19:11,041,404, C>G. VCF-style: chr19-11041404-C-G. GRCh37 (hg19) VCF-style: chr19-11152080-C-G.
Other names: c.4268C>G, p.Thr1423Ser (NM_001128844.3); c.4178C>G, p.Thr1393Ser (NM_001128845.2, NM_001128846.2); c.4169C>G, p.Thr1390Ser (NM_001128847.4, NM_001128848.2, NM_001374457.1); c.4364C>G, p.Thr1455Ser (NM_001128849.3, NM_001387283.1); c.4265C>G, p.Thr1422Ser (NM_001411150.1); short protein forms T1393S, T1455S, T1422S, T1423S, T1390S.
Identifiers: ClinVar variation 4549625 (VCV004549625.1).
Genomic context (GRCh38, chr19:11,041,404, plus strand): 5'-AGGTCCGGCAGAAGAAATCATCACGGAAGCGCAAGCGAGACAGCGACGCCGGCTCCTCCA[C>G]CCCGACCACCAGCACCCGCAGCCGCGACAAGGACGACGAGAGCAAGAAGCAGAAGAAGCG-3'
Protein context (NP_003063.2, residues 1413-1433): RKRDSDAGSS[Thr1423Ser]PTTSTRSRDK

ClinVar aggregate classification (germline): Uncertain significance (1 of 4 stars; one submission).

Conditions:
Hereditary cancer-predisposing syndrome. Also called: Tumor predisposition; Hereditary Cancer Syndrome; Hereditary neoplastic syndrome; Neoplastic Syndromes, Hereditary. Identifiers: Orphanet 140162, MedGen C0027672, MeSH D009386, MONDO:0015356.

Submission:

Ambry Genetics
Classification: Uncertain significance for Hereditary cancer-predisposing syndrome. Last evaluated: 2025-11-03. Review status: criteria provided, single submitter. Criteria: Ambry Variant Classification Scheme 2023. Collection method: clinical testing. Allele origin: germline.
Comment: The p.T1455S variant (also known as c.4364C>G), located in coding exon 30 of the SMARCA4 gene, results from a C to G substitution at nucleotide position 4364. The threonine at codon 1455 is replaced by serine, an amino acid with similar properties. This amino acid position is conserved. In addition, this alteration is predicted to be tolerated by in silico analysis. Based on the available evidence, the clinical significance of this variant remains unclear.